The following is an entry in ClinVar:

NM_024675.4(PALB2):c.734C>T (p.Ala245Val)

Gene: PALB2 (partner and localizer of BRCA2; minus strand). Cytogenetic location: 16p12.2.
Variant type: single nucleotide variant.
Coding change: c.734C>T on transcript NM_024675.4 (MANE Select); coding-DNA position 734, C replaced by T.
Protein change: p.Ala245Val; replaces alanine 245 with valine.
Molecular consequence: missense variant.
Genome position (GRCh38, 1-based): chr16:23,635,812, G>A on the plus strand (C>T on the coding strand, the complement: PALB2 is on the minus strand). VCF-style: chr16-23635812-G-A. GRCh37 (hg19) VCF-style: chr16-23647133-G-A.
Other names: short protein forms A245V.
Identifiers: ClinVar variation 142078 (VCV000142078.30), dbSNP rs571063157, ClinGen allele CA167345.

ClinVar aggregate classification (germline): Conflicting classifications of pathogenicity. Review status: criteria provided, conflicting classifications (1 of 4 stars). 14 submissions from 14 submitters: Uncertain significance (9); Benign (1); Likely benign (2). 2 of the submissions do not count toward it. Last evaluated 2025-12-10.

Conditions:
Breast-ovarian cancer, familial, susceptibility to, 5 (BROVCA5). Identifiers: MedGen C5830615, MONDO:0957530, OMIM 620442.
Pancreatic cancer, susceptibility to, 3. Identifiers: Orphanet 1333, MedGen C3150547, MONDO:0013236, OMIM 613348.
Fanconi anemia complementation group N. Also called: PALB2-Related Fanconi Anemia. Identifiers: Orphanet 84, MedGen C1835817, MONDO:0012565, OMIM 610832. Disease mechanism: loss of function.
PALB2-related disorder. Also called: PALB2-related condition; PALB2-related disorders.
Hereditary cancer-predisposing syndrome. Also called: Tumor predisposition; Neoplastic Syndromes, Hereditary; Hereditary neoplastic syndrome; Hereditary Cancer Syndrome. Identifiers: Orphanet 140162, MedGen C0027672, MeSH D009386, MONDO:0015356.
Familial cancer of breast. Also called: BREAST CANCER, FAMILIAL; Hereditary breast cancer; hereditary breast carcinoma. Identifiers: Orphanet 227535, MedGen C0346153, MONDO:0016419, OMIM 114480. Disease mechanism: loss of function.

Allele frequency attached by ClinVar (database versions not stated): gnomAD 0.00001 and 0.00002; TOPMed 0.00001; 1000 Genomes Project 0.00020; 1000 Genomes Project 30x 0.00031.
gnomAD v4.1: 21 of 1,614,114 alleles (0.0013%); highest among the groups gnomAD compares: South Asian, 0.0099%; no homozygotes.

Submissions (15):

Dasa
Classification: Uncertain significance for Breast-ovarian cancer, familial, susceptibility to, 5. Last evaluated: 2025-12-10. Review status: criteria provided, single submitter. Criteria: DASA Assertion Criteria. Collection method: clinical testing. Allele origin: germline.
Comment: NM_024675.4(PALB2):c.734C>T (p.Ala245Val) is a missense variant that results in the substitution of alanine with valine. This variant is rare in population databases. The currently available literature and clinical evidence are not sufficient to establish a definitive association between this variant and the reported condition. Therefore, this variant is classified as a variant of uncertain significance.

Labcorp Genetics (formerly Invitae), Labcorp
Classification: Uncertain significance for Familial cancer of breast. Last evaluated: 2025-11-19. Review status: criteria provided, single submitter. Criteria: Invitae Variant Classification Sherloc (09022015). Collection method: clinical testing. Allele origin: germline.
Comment: This sequence change replaces alanine, which is neutral and non-polar, with valine, which is neutral and non-polar, at codon 245 of the PALB2 protein (p.Ala245Val). This variant is present in population databases (rs571063157, gnomAD 0.02%). This missense change has been observed in individual(s) with breast cancer, prostate cancer and colorectal cancer (PMID: 30287823, 31214711, 33309985). ClinVar contains an entry for this variant (Variation ID: 142078). An algorithm developed to predict the effect of missense changes on protein structure and function outputs the following: PolyPhen-2: "Benign". The valine amino acid residue is found in multiple mammalian species, which suggests that this missense change does not adversely affect protein function. RNA analysis performed to evaluate the impact of this missense change on mRNA splicing indicates it does not significantly alter splicing (internal data). In summary, the available evidence is currently insufficient to determine the role of this variant in disease. Therefore, it has been classified as a Variant of Uncertain Significance.

PreventionGenetics, part of Exact Sciences
Classification: Uncertain significance for PALB2-related condition. Last evaluated: 2025-08-10. Review status: criteria provided, single submitter. Criteria: ACMG Guidelines, 2015. Collection method: clinical testing. Allele origin: germline.
Comment: The PALB2 c.734C>T variant is predicted to result in the amino acid substitution p.Ala245Val. To our knowledge, this variant has not been reported in the literature. This variant is reported in 0.016% of alleles in individuals of South Asian descent in gnomAD. This variant has conflicting classifications in ClinVar ranging from benign to uncertain (Variation ID: 142078). Although we suspect that this variant may be benign, at this time, the clinical significance of this variant is uncertain due to the absence of conclusive functional and genetic evidence.

GeneDx
Classification: Uncertain significance. Last evaluated: 2025-03-26. Review status: criteria provided, single submitter. Criteria: GeneDx Variant Classification Process June 2021. Collection method: clinical testing. Allele origin: germline. Affected: yes.
Comment: In silico analysis indicates that this missense variant does not alter protein structure/function; This variant is associated with the following publications: (PMID: 25186949, 31214711, 33309985, 19369211, 30287823, 28779002)

Women's Health and Genetics/Laboratory Corporation of America, LabCorp
Classification: Uncertain significance. Last evaluated: 2024-11-04. Review status: criteria provided, single submitter. Criteria: LabCorp Variant Classification Summary - May 2015. Collection method: clinical testing. Allele origin: germline.
Comment: Variant summary: PALB2 c.734C>T (p.Ala245Val) results in a non-conservative amino acid change in the encoded protein sequence. Four of five in-silico tools predict a benign effect of the variant on protein function. The variant allele was found at a frequency of 1.3e-05 in 1614114 control chromosomes. This frequency is not significantly higher than estimated for a pathogenic variant in PALB2 causing Hereditary Breast And Ovarian Cancer Syndrome (1.3e-05 vs 0.00016), allowing no conclusion about variant significance. To our knowledge, no occurrence of c.734C>T in individuals affected with Hereditary Breast And Ovarian Cancer Syndrome and no experimental evidence demonstrating its impact on protein function have been reported. ClinVar contains an entry for this variant (Variation ID: 142078). Based on the evidence outlined above, the variant was classified as uncertain significance.

Quest Diagnostics Nichols Institute San Juan Capistrano
Classification: Uncertain significance. Last evaluated: 2024-09-05. Review status: criteria provided, single submitter. Criteria: Quest Diagnostics criteria. Collection method: clinical testing. Allele origin: unknown.
Comment: The PALB2 c.734C>T (p.Ala245Val) variant has been reported in the published literature in individuals with breast cancer (PMID: 33309985 (2020), 30287823 (2018), 28779002 (2017)), and in reportedly healthy individuals (PMID: 33309985 (2020), 31214711 (2020)). The frequency of this variant in the general population, 0.00016 (5/30616 chromosomes (Genome Aggregation Database)), is uninformative in the assessment of its pathogenicity. Analysis of this variant using bioinformatics tools for the prediction of the effect of amino acid changes on protein structure and function yielded predictions that this variant is benign. Based on the available information, we are unable to determine the clinical significance of this variant.

Institute for Biomarker Research, Medical Diagnostic Laboratories, L.L.C.
Classification: Benign for Hereditary cancer-predisposing syndrome. Last evaluated: 2023-11-06. Review status: criteria provided, single submitter. Criteria: ACMG Guidelines, 2015. Collection method: clinical testing. Allele origin: germline.

KCCC/NGS Laboratory, Kuwait Cancer Control Center
Classification: Uncertain significance for Breast-ovarian cancer, familial, susceptibility to, 5. Last evaluated: 2023-07-07. Review status: criteria provided, single submitter. Criteria: ACMG Guidelines, 2015. Collection method: clinical testing. Allele origin: unknown. Affected: yes.
Comment: This sequence change replaces alanine with valine at codon 245 of the PALB2 protein (p.Ala245Val). The alanine residue is weakly conserved and there is a small physicochemical difference between alanine and valine. This variant is present in population databases (rs571063157, ExAC 0.02%). This variant has not been reported in the literature in individuals with PALB2-related disease. ClinVar contains an entry for this variant (Variation ID: 142078). In-silico predictions show benign computational verdict based on 12 benign predictions from BayesDel_addAF, DANN, DEOGEN2, EIGEN, FATHMM-MKL, LIST-S2, M-CAP, MVP, MutationAssessor, MutationTaster, PrimateAI and SIFT vs no pathogenic predictions and the position is not highly conserved. The valine amino acid residue is found in multiple mammalian species, suggesting that this missense change does not adversely affect protein function. These predictions have not been confirmed by published functional studies and their clinical significance is uncertain. Algorithms developed to predict the effect of sequence changes on RNA splicing suggest that this variant may create or strengthen a splice site, but this prediction has not been confirmed by published transcriptional studies. In summary, the available evidence is currently insufficient to determine the role of this variant in disease. Therefore, it has been classified as a Variant of Uncertain Significance.

Myriad Genetics, Inc.
Classification: Uncertain significance for Familial cancer of breast. Last evaluated: 2023-03-31. Review status: criteria provided, single submitter. Criteria: Myriad Autosomal Dominant, Autosomal Recessive and X-Linked Classification Criteria (2023). Collection method: clinical testing. Allele origin: unknown.
Comment: This variant is classified as a variant of uncertain significance as there is insufficient evidence to determine its impact on protein function and/or cancer risk.

Department of Pathology and Laboratory Medicine, Sinai Health System
Classification: Uncertain significance for Fanconi anemia complementation group N; Pancreatic cancer, susceptibility to, 3; Breast-ovarian cancer, familial, susceptibility to, 5. Last evaluated: 2021-09-21. Review status: criteria provided, single submitter. Criteria: ACMG Guidelines, 2015. Collection method: clinical testing. Allele origin: germline. Affected: yes.

Color Diagnostics, LLC DBA Color Health
Classification: Likely benign for Hereditary cancer-predisposing syndrome. Last evaluated: 2017-04-28. Review status: criteria provided, single submitter. Criteria: ACMG Guidelines, 2015. Collection method: clinical testing. Allele origin: germline.

Ambry Genetics
Classification: Likely benign for Hereditary cancer-predisposing syndrome. Last evaluated: 2017-03-20. Review status: criteria provided, single submitter. Criteria: Ambry Variant Classification Scheme 2023. Collection method: clinical testing. Allele origin: germline.

Leiden Open Variation Database
Classification: Benign. Last evaluated: 2018-10-10. Review status: no assertion criteria provided. Collection method: curation. Allele origin: germline. Affected: yes. Not counted in ClinVar's aggregate classification.
Comment: Curators: Marc Tischkowitz, Arleen D. Auerbach. Submitter to LOVD: Yukihide Momozawa.

Counsyl
Classification: Uncertain significance for Familial cancer of breast. Last evaluated: 2017-10-04. Review status: no assertion criteria provided. Collection method: clinical testing. Allele origin: unknown. Not counted in ClinVar's aggregate classification.

Dr. Peter K. Rogan Lab, Western University
No classification provided (evidence only). Condition: Uterine corpus endometrial carcinoma. Review status: no classification provided. Collection method: in vitro. Allele origin: not applicable. Functional consequence: retained intron. Not counted in ClinVar's aggregate classification.

Literature cited by the submitters: PubMed 30287823 (cited by 4 submitters); PubMed 31214711 (cited by Labcorp Genetics (formerly Invitae), Labcorp and Quest Diagnostics Nichols Institute San Juan Capistrano); PubMed 33309985 (cited by Labcorp Genetics (formerly Invitae), Labcorp and Quest Diagnostics Nichols Institute San Juan Capistrano); PubMed 28779002 (cited by Quest Diagnostics Nichols Institute San Juan Capistrano); PubMed 33471991 (cited by Department of Pathology and Laboratory Medicine, Sinai Health System).